The following is an entry in ClinVar:

NM_145868.2(ANXA11):c.571C>T (p.Arg191Ter)

Gene: ANXA11 (annexin A11; minus strand). Cytogenetic location: 10q22.3.
Variant type: single nucleotide variant.
Coding change: c.571C>T on transcript NM_145868.2 (MANE Select); coding-DNA position 571, C replaced by T.
Protein change: p.Arg191Ter; replaces arginine 191 with a stop codon.
Molecular consequence: nonsense.
Genome position (GRCh38, 1-based): chr10:80,167,304, G>A on the plus strand (C>T on the coding strand, the complement: ANXA11 is on the minus strand). VCF-style: chr10-80167304-G-A. GRCh37 (hg19) VCF-style: chr10-81927060-G-A.
Other names: c.571C>T, p.Arg191Ter (NM_001157.3, NM_001278407.2, NM_001278408.2 and 1 more transcripts); c.472C>T, p.Arg158Ter (NM_001278409.2); short protein forms R158*, R191*.
Identifiers: ClinVar variation 3355812 (VCV003355812.1).

ClinVar aggregate classification (germline): Uncertain significance (0 of 4 stars; one submission).

Conditions:
ANXA11-related disorder. Also called: ANXA11-related condition.

gnomAD v4.1: 28 of 1,613,996 alleles (0.0017%); highest among the groups gnomAD compares: Middle Eastern, 0.017%; 1 homozygote.

Submission:

PreventionGenetics, part of Exact Sciences
Classification: Uncertain significance for ANXA11-related condition. Last evaluated: 2024-09-10. Review status: no assertion criteria provided. Collection method: clinical testing. Allele origin: germline.
Comment: The ANXA11 c.571C>T variant is predicted to result in premature protein termination (p.Arg191*). To our knowledge, this variant has not been reported in the literature. This variant is reported in 0.0085% of alleles in individuals of Latino descent in gnomAD. This variant is located in exon 7 of 17; however, loss of function is not an established disease mechanism. Although we suspect that this variant may be pathogenic, at this time, the clinical significance of this variant is uncertain due to the absence of conclusive functional and genetic evidence.